The following is an entry in ClinVar:

ClinVar aggregate classification (germline): Uncertain significance (1 of 4 stars; one submission).

gnomAD v4.1: 2 of 1,614,086 alleles (0.00012%); highest among the groups gnomAD compares: East Asian, 0.0022%; no homozygotes.

Submission:

Labcorp Genetics (formerly Invitae), Labcorp
Classification: Uncertain significance. Last evaluated: 2024-07-29. Review status: criteria provided, single submitter. Criteria: Invitae Variant Classification Sherloc (09022015). Collection method: clinical testing. Allele origin: germline.
Comment: This sequence change replaces glutamic acid, which is acidic and polar, with aspartic acid, which is acidic and polar, at codon 816 of the AUTS2 protein (p.Glu816Asp). This variant is not present in population databases (gnomAD no frequency). This variant has not been reported in the literature in individuals affected with AUTS2-related conditions. Advanced modeling of protein sequence and biophysical properties (such as structural, functional, and spatial information, amino acid conservation, physicochemical variation, residue mobility, and thermodynamic stability) performed at Invitae indicates that this missense variant is not expected to disrupt AUTS2 protein function with a negative predictive value of 80%. In summary, the available evidence is currently insufficient to determine the role of this variant in disease. Therefore, it has been classified as a Variant of Uncertain Significance.

NM_015570.4(AUTS2):c.2448G>T (p.Glu816Asp)

Gene: AUTS2 (activator of transcription and developmental regulator AUTS2; plus strand). Cytogenetic location: 7q11.22.
Variant type: single nucleotide variant.
Coding change: c.2448G>T on transcript NM_015570.4 (MANE Select); coding-DNA position 2448, G replaced by T.
Protein change: p.Glu816Asp; replaces glutamic acid 816 with aspartic acid.
Molecular consequence: missense variant.
Genome position (GRCh38, 1-based): chr7:70,787,348, G>T. VCF-style: chr7-70787348-G-T. GRCh37 (hg19) VCF-style: chr7-70252334-G-T.
Other names: c.2376G>T, p.Glu792Asp (NM_001127231.3); short protein forms E792D, E816D.
Identifiers: ClinVar variation 3688978 (VCV003688978.2).